The following is an entry in ClinVar:

NM_031935.3(HMCN1):c.16063G>A (p.Ala5355Thr)

Gene: HMCN1 (hemicentin 1; plus strand). Cytogenetic location: 1q31.1.
Variant type: single nucleotide variant.
Coding change: c.16063G>A on transcript NM_031935.3 (MANE Select); coding-DNA position 16063, G replaced by A.
Protein change: p.Ala5355Thr; replaces alanine 5355 with threonine.
Molecular consequence: missense variant.
Genome position (GRCh38, 1-based): chr1:186,178,535, G>A. VCF-style: chr1-186178535-G-A. GRCh37 (hg19) VCF-style: chr1-186147667-G-A.
Other names: short protein forms A5355T.
Identifiers: ClinVar variation 3618038 (VCV003618038.2).

ClinVar aggregate classification (germline): Uncertain significance (1 of 4 stars; one submission).

gnomAD v4.1: 13 of 1,613,930 alleles (0.00081%); highest among the groups gnomAD compares: South Asian, 0.0033%; no homozygotes.

Submission:

Labcorp Genetics (formerly Invitae), Labcorp
Classification: Uncertain significance. Last evaluated: 2024-04-04. Review status: criteria provided, single submitter. Criteria: Invitae Variant Classification Sherloc (09022015). Collection method: clinical testing. Allele origin: germline.
Comment: This sequence change replaces alanine, which is neutral and non-polar, with threonine, which is neutral and polar, at codon 5355 of the HMCN1 protein (p.Ala5355Thr). This variant is present in population databases (rs775803858, gnomAD 0.006%). This variant has not been reported in the literature in individuals affected with HMCN1-related conditions. An algorithm developed to predict the effect of missense changes on protein structure and function (PolyPhen-2) suggests that this variant is likely to be disruptive. In summary, the available evidence is currently insufficient to determine the role of this variant in disease. Therefore, it has been classified as a Variant of Uncertain Significance.